The following is an entry in ClinVar:

ClinVar aggregate classification (germline): Uncertain significance. Review status: criteria provided, multiple submitters, no conflicts (2 of 4 stars). 3 submissions from 3 submitters: Uncertain significance (3). Last evaluated 2025-05-04.

Conditions:
Inborn genetic diseases. Identifiers: MedGen C0950123, MeSH D030342.
SMARCA2-related disorder. Also called: SMARCA2-related condition.

Allele frequency attached by ClinVar (database versions not stated): gnomAD exomes below 0.00001.
gnomAD v4.1: 5 of 1,598,304 alleles (0.00031%); highest among the groups gnomAD compares: Non-Finnish European, 0.00034%; no homozygotes.

Submissions (3):

Ambry Genetics
Classification: Uncertain significance for Inborn genetic diseases. Last evaluated: 2025-05-04. Review status: criteria provided, single submitter. Criteria: Ambry Variant Classification Scheme 2023. Collection method: clinical testing. Allele origin: germline.

GeneDx
Classification: Uncertain significance. Last evaluated: 2025-02-04. Review status: criteria provided, single submitter. Criteria: GeneDx Variant Classification Process June 2021. Collection method: clinical testing. Allele origin: germline. Affected: yes.
Comment: In silico analysis supports that this missense variant has a deleterious effect on protein structure/function; Has not been previously published as pathogenic or benign to our knowledge

PreventionGenetics, part of Exact Sciences
Classification: Uncertain significance for SMARCA2-related condition. Last evaluated: 2023-07-28. Review status: criteria provided, single submitter. Criteria: ACMG Guidelines, 2015. Collection method: clinical testing. Allele origin: germline.
Comment: The SMARCA2 c.2420C>T variant is predicted to result in the amino acid substitution p.Thr807Ile. To our knowledge, this variant has not been reported in the literature or in a large population database, indicating this variant is rare. At this time, the clinical significance of this variant is uncertain due to the absence of conclusive functional and genetic evidence.

NM_003070.5(SMARCA2):c.2420C>T (p.Thr807Ile)

Gene: SMARCA2 (SWI/SNF related BAF chromatin remodeling complex subunit ATPase 2; plus strand). Cytogenetic location: 9p24.3.
Variant type: single nucleotide variant.
Coding change: c.2420C>T on transcript NM_003070.5 (MANE Select); coding-DNA position 2420, C replaced by T.
Protein change: p.Thr807Ile; replaces threonine 807 with isoleucine.
Molecular consequence: missense variant.
Genome position (GRCh38, 1-based): chr9:2,084,090, C>T. VCF-style: chr9-2084090-C-T. GRCh37 (hg19) VCF-style: chr9-2084090-C-T.
Other names: c.2420C>T, p.Thr807Ile (NM_001289396.2, NM_001289397.2, NM_139045.4); short protein forms T807I.
Identifiers: ClinVar variation 451779 (VCV000451779.5), dbSNP rs1554623478, ClinGen allele CA372784538.